The following is an entry in ClinVar:

ClinVar aggregate classification (germline): Pathogenic (0 of 4 stars; one submission).

Conditions:
Fanconi anemia complementation group A (FANCA). Also called: Fanconi anemia, group A; FANCA-Related Fanconi Anemia. Identifiers: Orphanet 84, MedGen C3469521, MONDO:0009215, OMIM 227650.

Submission:

Leiden Open Variation Database
Classification: Pathogenic for Fanconi anemia complementation group A. Last evaluated: 2020-02-28. Review status: no assertion criteria provided. Collection method: curation. Allele origin: germline. Affected: yes.
Comment: Curator: Arleen D. Auerbach. Submitter to LOVD: Arleen D. Auerbach.

NM_000135.4(FANCA):c.2674del (p.Ser892fs)

Genes: FANCA (FA complementation group A; minus strand), LOC130059837 (ATAC-STARR-seq lymphoblastoid active region 11420; plus strand). Cytogenetic location: 16q24.3.
Variant type: Deletion.
Coding change: c.2674del on transcript NM_000135.4 (MANE Select); coding-DNA position 2674, one base deleted (T; older notation c.2674delT).
Protein change: p.Ser892fs; shifts the reading frame from serine 892.
Molecular consequence: frameshift variant.
Genome position (GRCh38, 1-based): chr16:89,764,994, A deleted on the plus strand (T on the coding strand, the reverse complement: FANCA is on the minus strand); the first of 3 consecutive A bases (chr16:89,764,994-89,764,996); deleting any one gives the same sequence. VCF-style (leftmost placement, unchanged base first): chr16-89764993-GA-G. GRCh37 (hg19) VCF-style: chr16-89831401-GA-G.
Other names: c.2674del, p.Ser892fs (NM_001286167.3); short protein forms S892fs.
Identifiers: ClinVar variation 974334 (VCV000974334.1), dbSNP rs2039077507, ClinGen allele CA1139665048.
Genomic context (GRCh38, chr16:89,764,993, plus strand): 5'-GTCCAGAGAGAGAGGGCAGCTCTCTGCCAGTCTGCAGAAGGAAGGTGCAAGGGTCTCCAG[GA>G]AAGGCTGGCTACGTCCTCCTCAGAAAGAGGCTGTCGGGCCTCTGAGAACAATCTGAACAT-3'